The following is an entry in ClinVar:

NM_001009944.3(PKD1):c.12442G>C (p.Glu4148Gln)

Gene: PKD1 (polycystin 1, transient receptor potential channel interacting; minus strand). Cytogenetic location: 16p13.3.
Variant type: single nucleotide variant.
Coding change: c.12442G>C on transcript NM_001009944.3 (MANE Select); coding-DNA position 12442, G replaced by C.
Protein change: p.Glu4148Gln; replaces glutamic acid 4148 with glutamine.
Molecular consequence: missense variant.
Genome position (GRCh38, 1-based): chr16:2,090,287, C>G on the plus strand (G>C on the coding strand, the complement: PKD1 is on the minus strand). VCF-style: chr16-2090287-C-G. GRCh37 (hg19) VCF-style: chr16-2140288-C-G.
Other names: c.12439G>C, p.Glu4147Gln (NM_000296.4); short protein forms E4147Q, E4148Q.
Identifiers: ClinVar variation 3349117 (VCV003349117.1).

ClinVar aggregate classification (germline): Uncertain significance (0 of 4 stars; one submission).

Conditions:
PKD1-related disorder. Also called: PKD1-related condition.

Submission:

PreventionGenetics, part of Exact Sciences
Classification: Uncertain significance for PKD1-related condition. Last evaluated: 2024-03-23. Review status: no assertion criteria provided. Collection method: clinical testing. Allele origin: germline.
Comment: The PKD1 c.12442G>C variant is predicted to result in the amino acid substitution p.Glu4148Gln. To our knowledge, this variant has not been reported in the literature or in a large population database, indicating this variant is rare. The p.Glu4148 residue is highly conserved during evolution. Of note, different substitutions at the same codon have been reported in individuals with autosomal dominant polycystic kidney disease (ADPKD) (p.Glu4148Asp as p.E4148D in Table S6 of Kinoshita et al. 2016. PubMed ID: 27835667 and p.Glu4148Asp reported as p.E4147D in Table S7 of Groopman et al. 2019. PubMed ID: 30586318; p.Glu4148Lys in Suppl. Table S5 of Carrera et al. 2016. PubMed ID: 27499327). Therefore, we suspect the c.12442G>C (p.Glu4148Gln) variant is pathogenic. At this time, however, the clinical significance of this variant is uncertain due to the absence of conclusive functional and genetic evidence.